The following is an entry in ClinVar:

ClinVar aggregate classification (germline): Likely pathogenic. Review status: criteria provided, multiple submitters, no conflicts (2 of 4 stars). 4 submissions from 4 submitters: Likely pathogenic (4). Last evaluated 2025-06-23.

Conditions:
BEST1-related disorder. Also called: BEST1-related condition; BEST1-related disorders. Identifiers: MedGen CN239200.

Allele frequency attached by ClinVar (database versions not stated): gnomAD 0.00001 and 0.00002; gnomAD exomes 0.00001 and 0.00002; TOPMed 0.00002; ExAC 0.00006.
gnomAD v4.1: 22 of 1,550,434 alleles (0.0014%); highest among the groups gnomAD compares: Non-Finnish European, 0.0018%; no homozygotes.

Submissions (4):

GeneDx
Classification: Likely pathogenic. Last evaluated: 2025-06-23. Review status: criteria provided, single submitter. Criteria: GeneDx Variant Classification Process June 2021. Collection method: clinical testing. Allele origin: germline. Affected: yes.
Comment: Identified with a second variant in the BEST1 gene, phase unknown, in a patient with best vitelliform macular dystrophy, however, detailed clinical information is not included (PMID: 32531858); Not observed at significant frequency in large population cohorts (gnomAD); In silico analysis supports that this missense variant has a deleterious effect on protein structure/function; This variant is associated with the following publications: (PMID: 21273940, 34327816, 32531858)

Labcorp Genetics (formerly Invitae), Labcorp
Classification: Likely pathogenic. Last evaluated: 2025-04-16. Review status: criteria provided, single submitter. Criteria: Invitae Variant Classification Sherloc (09022015). Collection method: clinical testing. Allele origin: germline.
Comment: This sequence change replaces asparagine, which is neutral and polar, with histidine, which is basic and polar, at codon 133 of the BEST1 protein (p.Asn133His). This variant is present in population databases (rs755851136, gnomAD 0.004%). This missense change has been observed in individual(s) with autosomal recessive bestrophinopathy, clinical features of autosomal dominant macular dystrophy, and/or macular degeneration (PMID: 21273940, 34327816; internal data). ClinVar contains an entry for this variant (Variation ID: 444254). Invitae Evidence Modeling of protein sequence and biophysical properties (such as structural, functional, and spatial information, amino acid conservation, physicochemical variation, residue mobility, and thermodynamic stability) indicates that this missense variant is expected to disrupt BEST1 protein function with a positive predictive value of 95%. This variant disrupts the p.Asn133 amino acid residue in BEST1. Other variant(s) that disrupt this residue have been determined to be pathogenic (PMID: 10798642; internal data). This suggests that this residue is clinically significant, and that variants that disrupt this residue are likely to be disease-causing. In summary, the currently available evidence indicates that the variant is pathogenic, but additional data are needed to prove that conclusively. Therefore, this variant has been classified as Likely Pathogenic.

Blueprint Genetics
Classification: Likely pathogenic for BEST1-related disorders. Last evaluated: 2023-12-20. Review status: criteria provided, single submitter. Criteria: ACMG Guidelines, 2015. Collection method: clinical testing. Allele origin: germline. Affected: yes. Observed: 2 variant alleles.

CeGaT Center for Human Genetics Tuebingen
Classification: Likely pathogenic. Last evaluated: 2019-01-01. Review status: criteria provided, single submitter. Criteria: CeGaT Center For Human Genetics Tuebingen Variant Classification Criteria Version 2. Collection method: clinical testing. Allele origin: germline. Affected: yes. Observed: 3 variant alleles.

Literature cited by the submitters: PubMed 21273940 (cited by Labcorp Genetics (formerly Invitae), Labcorp); PubMed 34327816 (cited by Labcorp Genetics (formerly Invitae), Labcorp); PubMed 10798642 (cited by Labcorp Genetics (formerly Invitae), Labcorp).

NM_004183.4(BEST1):c.397A>C (p.Asn133His)

Gene: BEST1 (bestrophin 1; plus strand). Cytogenetic location: 11q12.3.
Variant type: single nucleotide variant.
Coding change: c.397A>C on transcript NM_004183.4 (MANE Select); coding-DNA position 397, A replaced by C.
Protein change: p.Asn133His; replaces asparagine 133 with histidine.
Molecular consequence: missense variant. On other transcripts: non-coding transcript variant (1).
Genome position (GRCh38, 1-based): chr11:61,955,867, A>C. VCF-style: chr11-61955867-A-C. GRCh37 (hg19) VCF-style: chr11-61723339-A-C.
Other names: c.217A>C, p.Asn73His (NM_001139443.3, NM_001300786.2, NM_001300787.2); c.79A>C, p.Asn27His (NM_001363591.3); c.397A>C, p.Asn133His (NM_001363592.2); c.-779A>C (NM_001363593.3); short protein forms N133H, N27H, N73H.
Identifiers: ClinVar variation 444254 (VCV000444254.52), dbSNP rs755851136, ClinGen allele CA6040748.